The following is an entry in ClinVar:

ClinVar aggregate classification (germline): Likely benign. Review status: criteria provided, multiple submitters, no conflicts (2 of 4 stars). 4 submissions from 4 submitters: Likely benign (4). Last evaluated 2026-01-28.

Conditions:
Cardiovascular phenotype. Identifiers: MedGen CN230736.
Arrhythmogenic right ventricular cardiomyopathy (ARVD). Also called: Arrhythmogenic cardiomyopathy; Cardiomyopathy, ARVC; Arrhythmogenic right ventricular dysplasia; Arrhythmogenic Right Ventricular Cardiomyopathy (ARVC). Identifiers: Orphanet 247, MedGen C0349788, MeSH D019571, MONDO:0016587. Disease mechanism: loss of function. Inheritance: Various modes of inheritance.
Cardiomyopathy (CMYO). Also called: Cardiomyopathies. Identifiers: Orphanet 167848, MedGen C0878544, MONDO:0004994, HP:0001638. Inheritance: Various modes of inheritance.
Arrhythmogenic right ventricular dysplasia 9 (ARVD9). Also called: Arrhythmogenic Right Ventricular Dysplasia/Cardiomyopathy 9; ARRHYTHMOGENIC RIGHT VENTRICULAR DYSPLASIA, FAMILIAL, 9. Identifiers: MedGen C1836906, MONDO:0012180, OMIM 609040.

Allele frequency attached by ClinVar (database versions not stated): gnomAD exomes below 0.00001 and 0.00001; gnomAD 0.00001; TOPMed 0.00002.
gnomAD v4.1: 8 of 1,613,612 alleles (0.0005%); highest among the groups gnomAD compares: African/African-American, 0.0053%; no homozygotes.

Submissions (4):

Labcorp Genetics (formerly Invitae), Labcorp
Classification: Likely benign for Arrhythmogenic right ventricular dysplasia 9. Last evaluated: 2026-01-28. Review status: criteria provided, single submitter. Criteria: Invitae Variant Classification Sherloc (09022015). Collection method: clinical testing. Allele origin: germline.

All of Us Research Program, National Institutes of Health
Classification: Likely benign for Arrhythmogenic right ventricular cardiomyopathy. Last evaluated: 2023-12-13. Review status: criteria provided, single submitter. Criteria: ACMG Guidelines, 2015. Collection method: clinical testing. Allele origin: germline. Inheritance: Autosomal dominant inheritance. Observed: 1 variant allele, 1 heterozygote.
Comment: This study involves interpretation of variants in research participants for the purpose of population health screening. Participant phenotype was not available at the time of variant classification. Additional details can be found in publication PMID: 35346344, PMCID: PMC8962531

Color Diagnostics, LLC DBA Color Health
Classification: Likely benign for Cardiomyopathy. Last evaluated: 2020-06-29. Review status: criteria provided, single submitter. Criteria: ACMG Guidelines, 2015. Collection method: clinical testing. Allele origin: germline.

Ambry Genetics
Classification: Likely benign for Cardiovascular phenotype. Last evaluated: 2020-04-16. Review status: criteria provided, single submitter. Criteria: Ambry Variant Classification Scheme 2023. Collection method: clinical testing. Allele origin: germline.

NM_001005242.3(PKP2):c.1518C>T (p.Leu506=)

Gene: PKP2 (plakophilin 2; minus strand). Cytogenetic location: 12p11.21.
Variant type: single nucleotide variant.
Coding change: c.1518C>T on transcript NM_001005242.3 (MANE Select); coding-DNA position 1518, C replaced by T.
Protein change: p.Leu506=; no amino-acid change (leucine 506 retained).
Molecular consequence: synonymous variant.
Genome position (GRCh38, 1-based): chr12:32,841,066, G>A on the plus strand (C>T on the coding strand, the complement: PKP2 is on the minus strand). VCF-style: chr12-32841066-G-A. GRCh37 (hg19) VCF-style: chr12-32994000-G-A.
Other names: c.1650C>T, p.Leu550= (NM_004572.4).
Identifiers: ClinVar variation 750666 (VCV000750666.15), dbSNP rs1320642436, ClinGen allele CA479177246.